The following is an entry in ClinVar:

NM_025137.3:c.5898+5493_6509-491del

Gene: SPG11 (SPG11 vesicle trafficking associated, spatacsin; minus strand). Cytogenetic location: 15q21.1.
Variant type: Deletion.
Identifiers: ClinVar variation 41331 (VCV000041331.2).

ClinVar aggregate classification (germline): Pathogenic (0 of 4 stars; one submission).

Conditions:
Hereditary spastic paraplegia 11. Also called: SPASTIC PARAPLEGIA, AUTOSOMAL RECESSIVE, COMPLICATED, WITH THIN CORPUS CALLOSUM; SPASTIC PARAPLEGIA, AUTOSOMAL RECESSIVE, WITH MENTAL IMPAIRMENT AND THIN CORPUS CALLOSUM; Spastic paraplegia, mental retardation and thin corpus callosum; Spastic Paraplegia 11; Nakamura Osame syndrome; Autosomal recessive hereditary spastic paraplegia, mental impairment, and thin corpus callosum. Identifiers: Orphanet 2822, MedGen C1858479, MONDO:0011445, OMIM 604360.

Submission:

GeneReviews
Classification: Pathogenic for Spastic Paraplegia 11. Last evaluated: 2013-01-31. Review status: no assertion criteria provided. Collection method: curation. Allele origin: unknown.
ClinVar note: Converted during submission from pathologic to Pathogenic.